The following is an entry in ClinVar:

ClinVar aggregate classification (germline): Conflicting classifications of pathogenicity. Review status: criteria provided, conflicting classifications (1 of 4 stars). 3 submissions from 3 submitters: Uncertain significance (1); Likely benign (1). 1 of the submissions does not count toward it. Last evaluated 2023-11-22.

Conditions:
Alstrom syndrome (ALMS). Identifiers: Orphanet 64, MedGen C0268425, MONDO:0008763, OMIM 203800.
Cardiovascular phenotype. Identifiers: MedGen CN230736.

Allele frequency attached by ClinVar (database versions not stated): gnomAD exomes below 0.00001 and 0.00004; ExAC 0.00001; gnomAD 0.00001; TOPMed 0.00001; ESP Exome Variant Server 0.00008.
gnomAD v4.1: 62 of 1,614,026 alleles (0.0038%); highest among the groups gnomAD compares: Non-Finnish European, 0.0048%; no homozygotes.

Submissions (3):

Ambry Genetics
Classification: Likely benign for Cardiovascular phenotype. Last evaluated: 2023-11-22. Review status: criteria provided, single submitter. Criteria: Ambry Variant Classification Scheme 2023. Collection method: clinical testing. Allele origin: germline.

Labcorp Genetics (formerly Invitae), Labcorp
Classification: Uncertain significance for Alstrom syndrome. Last evaluated: 2022-04-03. Review status: criteria provided, single submitter. Criteria: Invitae Variant Classification Sherloc (09022015). Collection method: clinical testing. Allele origin: germline.
Comment: This sequence change replaces glutamic acid, which is acidic and polar, with aspartic acid, which is acidic and polar, at codon 3224 of the ALMS1 protein (p.Glu3224Asp). This variant is present in population databases (rs376206840, gnomAD 0.002%). This variant has not been reported in the literature in individuals affected with ALMS1-related conditions. ClinVar contains an entry for this variant (Variation ID: 554753). Algorithms developed to predict the effect of missense changes on protein structure and function output the following: SIFT: "Not Available"; PolyPhen-2: "Not Available"; Align-GVGD: "Not Available". The aspartic acid amino acid residue is found in multiple mammalian species, which suggests that this missense change does not adversely affect protein function. In summary, the available evidence is currently insufficient to determine the role of this variant in disease. Therefore, it has been classified as a Variant of Uncertain Significance.

Counsyl
Classification: Uncertain significance for Alstrom syndrome. Last evaluated: 2017-11-02. Review status: no assertion criteria provided. Collection method: clinical testing. Allele origin: unknown. Not counted in ClinVar's aggregate classification.

NM_001378454.1(ALMS1):c.9669A>C (p.Glu3223Asp)

Gene: ALMS1 (ALMS1 centrosome and basal body associated protein; plus strand). Cytogenetic location: 2p13.1.
Variant type: single nucleotide variant.
Coding change: c.9669A>C on transcript NM_001378454.1 (MANE Select); coding-DNA position 9669, A replaced by C.
Protein change: p.Glu3223Asp; replaces glutamic acid 3223 with aspartic acid.
Molecular consequence: missense variant.
Genome position (GRCh38, 1-based): chr2:73,519,904, A>C. VCF-style: chr2-73519904-A-C. GRCh37 (hg19) VCF-style: chr2-73747031-A-C.
Other names: c.9672A>C, p.Glu3224Asp (NM_015120.4); short protein forms E3224D, E3223D.
Identifiers: ClinVar variation 554753 (VCV000554753.5), dbSNP rs376206840, ClinGen allele CA1714730.
Genomic context (GRCh38, chr2:73,519,904, plus strand): 5'-GATAACAACAGAAAGTCCAGAAAAGACCCTATTTTCATCTGAGATTTTTATTAATGCTGA[A>C]GATCGTGGACATGAAATTATAGAGCCTGGTAACCAGAAGCTACGCAAAGCTCCTGTCAAG-3'
Protein context (NP_001365383.1, residues 3213-3233): LFSSEIFINA[Glu3223Asp]DRGHEIIEPG